The following is an entry in ClinVar:

NM_001173464.2(KIF21A):c.4377A>C (p.Leu1459=)

Gene: KIF21A (kinesin family member 21A; minus strand). Cytogenetic location: 12q12.
Variant type: single nucleotide variant.
Coding change: c.4377A>C on transcript NM_001173464.2 (MANE Select); coding-DNA position 4377, A replaced by C.
Protein change: p.Leu1459=; no amino-acid change (leucine 1459 retained).
Molecular consequence: synonymous variant.
Genome position (GRCh38, 1-based): chr12:39,307,630, T>G on the plus strand (A>C on the coding strand, the complement: KIF21A is on the minus strand). VCF-style: chr12-39307630-T-G. GRCh37 (hg19) VCF-style: chr12-39701432-T-G.
Other names: c.4266A>C, p.Leu1422= (NM_001173463.2); c.4218A>C, p.Leu1406= (NM_001173465.2); c.4380A>C, p.Leu1460= (NM_001378439.1); c.4365A>C, p.Leu1455= (NM_001378440.1); c.4341A>C, p.Leu1447= (NM_001378441.1); c.4338A>C, p.Leu1446= (NM_017641.4).
Identifiers: ClinVar variation 3042366 (VCV003042366.2), dbSNP rs1943602622, ClinGen allele CA479233264.

ClinVar aggregate classification (germline): Likely benign (0 of 4 stars; one submission).

Conditions:
KIF21A-related disorder. Also called: KIF21A-related condition.

Submission:

PreventionGenetics, part of Exact Sciences
Classification: Likely benign for KIF21A-related condition. Last evaluated: 2019-06-07. Review status: no assertion criteria provided. Collection method: clinical testing. Allele origin: germline.
Comment: This variant is classified as likely benign based on ACMG/AMP sequence variant interpretation guidelines (Richards et al. 2015 PMID: 25741868, with internal and published modifications).